The following is an entry in ClinVar:

NM_004360.5(CDH1):c.301_314del (p.Tyr101fs)

Gene: CDH1 (cadherin 1; plus strand). Cytogenetic location: 16q22.1.
Variant type: Deletion.
Coding change: c.301_314del on transcript NM_004360.5 (MANE Select); coding-DNA positions 301 to 314, 14 bases deleted (TACGCCTGGGACTC).
Protein change: p.Tyr101fs; shifts the reading frame from tyrosine 101.
Molecular consequence: frameshift variant. On other transcripts: 5 prime UTR variant (2).
Genome position (GRCh38, 1-based): chr16:68,801,807-68,801,820, TACGCCTGGGACTC deleted; deleting any 14 consecutive bases within chr16:68,801,805-68,801,820 gives the same sequence; the c. name uses the placement nearest the transcript's 3' end. VCF-style (leftmost placement, unchanged base first): chr16-68801804-GTCTACGCCTGGGAC-G. GRCh37 (hg19) VCF-style: chr16-68835707-GTCTACGCCTGGGAC-G.
Other names: c.301_314del, p.Tyr101fs (NM_001317184.2); c.-1315_-1302del (NM_001317185.2); c.-1519_-1506del (NM_001317186.2); short protein forms Y101fs.
Identifiers: ClinVar variation 2583590 (VCV002583590.2), dbSNP rs2543905335, ClinGen allele CA2582342555.

ClinVar aggregate classification (germline): Pathogenic (1 of 4 stars; one submission).

Conditions:
Hereditary diffuse gastric adenocarcinoma (HDGC). Also called: DIFFUSE GASTRIC AND LOBULAR BREAST CANCER SYNDROME. Identifiers: Orphanet 26106, MedGen C1708349, MONDO:0007648, OMIM 137215.

Submission:

Myriad Genetics, Inc.
Classification: Pathogenic for Hereditary diffuse gastric adenocarcinoma. Last evaluated: 2023-06-08. Review status: criteria provided, single submitter. Criteria: Myriad Autosomal Dominant, Autosomal Recessive and X-Linked Classification Criteria (2023). Collection method: clinical testing. Allele origin: unknown.
Comment: This variant is considered pathogenic. This variant creates a frameshift predicted to result in premature protein truncation.